The following is an entry in ClinVar:

ClinVar aggregate classification (germline): Uncertain significance. Review status: criteria provided, multiple submitters, no conflicts (2 of 4 stars). 2 submissions from 2 submitters: Uncertain significance (2). Last evaluated 2026-07-20.

Conditions:
Inborn genetic diseases. Identifiers: MedGen C0950123, MeSH D030342.
Cone-rod dystrophy 6 (CORD6). Also called: RETINAL CONE DYSTROPHY 2; Cone dystrophy progressive. Identifiers: Orphanet 1872, MedGen C1866293, MONDO:0011143, OMIM 601777.
Leber congenital amaurosis 1 (LCA1). Also called: RETINAL BLINDNESS, CONGENITAL; Congenital absence of the rods and cones; Leber's congenital tapetoretinal degeneration; Leber's congenital tapetoretinal dysplasia; AMAUROSIS CONGENITA OF LEBER I. Identifiers: Orphanet 65, MedGen C2931258, MONDO:0008764, OMIM 204000.

Allele frequency attached by ClinVar (database versions not stated): TOPMed 0.00001; gnomAD 0.00001.
gnomAD v4.1: 4 of 1,613,476 alleles (0.00025%); highest among the groups gnomAD compares: African/African-American, 0.0053%; no homozygotes.

Submissions (2):

Ambry Genetics
Classification: Uncertain significance for Inborn genetic diseases. Last evaluated: 2026-07-20. Review status: criteria provided, single submitter. Criteria: Ambry Variant Classification Scheme 2023. Collection method: clinical testing. Allele origin: germline.

Labcorp Genetics (formerly Invitae), Labcorp
Classification: Uncertain significance for Leber congenital amaurosis 1; Cone-rod dystrophy 6. Last evaluated: 2021-09-09. Review status: criteria provided, single submitter. Criteria: Invitae Variant Classification Sherloc (09022015). Collection method: clinical testing. Allele origin: germline.
Comment: This sequence change replaces proline with leucine at codon 796 of the GUCY2D protein (p.Pro796Leu). The proline residue is highly conserved and there is a moderate physicochemical difference between proline and leucine. This variant is not present in population databases (ExAC no frequency). This variant has not been reported in the literature in individuals affected with GUCY2D-related conditions. Algorithms developed to predict the effect of missense changes on protein structure and function (SIFT, PolyPhen-2, Align-GVGD) all suggest that this variant is likely to be disruptive. In summary, the available evidence is currently insufficient to determine the role of this variant in disease. Therefore, it has been classified as a Variant of Uncertain Significance.

NM_000180.4(GUCY2D):c.2387C>T (p.Pro796Leu)

Gene: GUCY2D (guanylate cyclase 2D, retinal; plus strand). Cytogenetic location: 17p13.1.
Variant type: single nucleotide variant.
Coding change: c.2387C>T on transcript NM_000180.4 (MANE Select); coding-DNA position 2387, C replaced by T.
Protein change: p.Pro796Leu; replaces proline 796 with leucine.
Molecular consequence: missense variant.
Genome position (GRCh38, 1-based): chr17:8,014,003, C>T. VCF-style: chr17-8014003-C-T. GRCh37 (hg19) VCF-style: chr17-7917321-C-T.
Other names: c.2387C>T (NM_000180.3); short protein forms P796L.
Identifiers: ClinVar variation 1380425 (VCV001380425.4), dbSNP rs1304876088, ClinGen allele CA397953312.